The following is an entry in ClinVar:

NM_000180.4(GUCY2D):c.1052A>G (p.Tyr351Cys)

Gene: GUCY2D (guanylate cyclase 2D, retinal; plus strand). Cytogenetic location: 17p13.1.
Variant type: single nucleotide variant.
Coding change: c.1052A>G on transcript NM_000180.4 (MANE Select); coding-DNA position 1052, A replaced by G.
Protein change: p.Tyr351Cys; replaces tyrosine 351 with cysteine.
Molecular consequence: missense variant.
Genome position (GRCh38, 1-based): chr17:8,006,388, A>G. VCF-style: chr17-8006388-A-G. GRCh37 (hg19) VCF-style: chr17-7909706-A-G.
Other names: NM_000180.4(GUCY2D):c.1052A>G; p.Tyr351Cys; short protein forms Y351C.
Identifiers: ClinVar variation 98536 (VCV000098536.12), dbSNP rs61749676, ClinGen allele CA226036.
Genomic context (GRCh38, chr17:8,006,388, plus strand): 5'-ACCCCGACCTCTGAGCCCCTACTCTCCTTCTCCAGGTCTCCCCACTCTTTGGCACCATCT[A>G]TGACGCGGTCTTCTTGCTGGCAAGGGGCGTGGCAGAAGCGCGGGCTGCCGCAGGTGGCAG-3'
Protein context (NP_000171.1, residues 341-361): QQVSPLFGTI[Tyr351Cys]DAVFLLARGV

ClinVar aggregate classification (germline): Likely pathogenic. Review status: reviewed by expert panel (3 of 4 stars). 6 submissions from 6 submitters: Likely pathogenic (1). 5 of the submissions do not count toward it. Last evaluated 2025-01-30.

Conditions:
Leber congenital amaurosis (LCA). Also called: Leber's amaurosis. Identifiers: Orphanet 65, MedGen C0339527, MeSH D057130, MONDO:0018998.
GUCY2D-related recessive retinopathy. Also called: Recessive GUCY2D retinopathy. Identifiers: MedGen CN305603, MONDO:0100453.
GUCY2D-related disorders.
Cone-rod dystrophy 6 (CORD6). Also called: RETINAL CONE DYSTROPHY 2; Cone dystrophy progressive. Identifiers: Orphanet 1872, MedGen C1866293, MONDO:0011143, OMIM 601777.
Leber congenital amaurosis 1 (LCA1). Also called: AMAUROSIS CONGENITA OF LEBER I; RETINAL BLINDNESS, CONGENITAL; Congenital absence of the rods and cones; Leber's congenital tapetoretinal degeneration; Leber's congenital tapetoretinal dysplasia. Identifiers: Orphanet 65, MedGen C2931258, MONDO:0008764, OMIM 204000.

Allele frequency attached by ClinVar (database versions not stated): gnomAD 0.00001; gnomAD exomes 0.00001; TOPMed 0.00001; ExAC 0.00003.

Submissions (6):

ClinGen Leber Congenital Amaurosis/early Onset Retinal Dystrophy Variant Curation Expert Panel, ClinGen
Classification: Likely pathogenic for GUCY2D-related recessive retinopathy. Last evaluated: 2025-01-30. Review status: reviewed by expert panel. Criteria: ClinGen LCAeoRD ACMG Specifications GUCY2D V1.0.0. Collection method: curation. Allele origin: germline. Inheritance: Autosomal recessive inheritance.
Comment: The NM_000180.4(GUCY2D):c.1052A>G (p.Tyr351Cys) variant is predicted to replace the tyrosine at position p.351 with cysteine. This variant is present in gnomAD v4.1.0 at a total allele frequency of 0.000005622, with 9 alleles / 1,600,764 total alleles, which is lower than the ClinGen LCA/eoRD VCEP PM2_Supporting threshold of <0.0004 (PM2_Supporting). The computational predictor REVEL gives a score of 0.733, which is above the ClinGen LCA/eoRD VCEP threshold of ≥0.644 and predicts a damaging effect on RetGC-1 protein function. This variant has been reported in at least 2 unrelated probands with early-onset severe retinal dystrophy who were homozygous for the variant (1 point, PMIDs: 32865313, 15024725). This variant has also been reported in at least 1 proband with early-onset severe retinal dystrophy who was compound heterozygous with the p.Arg1059Ter variant confirmed in trans (did not count, PMID: 27208204), which has not yet been classified by the ClinGen LCA/eoRD VCEP. It has also been reported in another proband with with early-onset severe retinal dystrophy who was compound heterozygous with the c.2943del variant, classified as pathogenic by the VCEP, confirmed in trans (1 point, PMID: 17525851). (2 total points, PM3_Strong). At least one proband harboring this variant exhibits a phenotype including a diagnosis of LCA (0.5 pts) with an age of onset before age 4 (1 pt). Reported to have nystagmus (1 pt), sluggish pupils (0.5 pts), decreased peripheral vision (1 pt), and decreased central visual acuity (1 pt). ERG and multifocal ERG below normal thresholds (1 pt). Fundoscopy and blue autofluorescence unremarkable. Genetic testing using the ASPER Biotech LCA-Microarray (2006) did not reveal any additional likely variants. (2 pts). Together these are highly specific for GUCY2D-related recessive retinopathy (total 8 points, PMID: 17525851, PP4_Moderate). The protein exhibits a dramatically reduced RD3 signal compared to wild-type control in a GUCY2D pull-down assay. (PS3_Supporting, PMID: 25477517). This variant has been identified as a de novo occurrence in 1 individual with a phenotype specific for GUCY2D-related recessive retinopathy at the PP4_Moderate level (PMID: 17525851). However, the PM6 code was not met since the variant was hypothesized to be on the paternal allele and the genotyping methods were not sufficient to confirm the paternal relationship. In summary, this variant meets the criteria to be classified as likely pathogenic for GUCY2D-related recessive retinopathy based on the ACMG/AMP criteria applied, as specified by the ClinGen LCA/eoRD VCEP: PS3_Supporting, PM2_Supporting, PM3_Strong, PP3, and PP4_Moderate. (VCEP specifications version 1.0.0; date of approval 01/22/2025).

Labcorp Genetics (formerly Invitae), Labcorp
Classification: Pathogenic for Leber congenital amaurosis 1; Cone-rod dystrophy 6. Last evaluated: 2025-10-16. Review status: criteria provided, single submitter. Criteria: Invitae Variant Classification Sherloc (09022015). Collection method: clinical testing. Allele origin: germline. Not counted in ClinVar's aggregate classification.
Comment: This sequence change replaces tyrosine, which is neutral and polar, with cysteine, which is neutral and slightly polar, at codon 351 of the GUCY2D protein (p.Tyr351Cys). This variant is present in population databases (rs61749676, gnomAD 0.007%). This missense change has been observed in individuals with clinical features of autosomal recessive Leber congenital amaurosis (PMID: 15024725, 17525851, 32865313; internal data). ClinVar contains an entry for this variant (Variation ID: 98536). Invitae Evidence Modeling of protein sequence and biophysical properties (such as structural, functional, and spatial information, amino acid conservation, physicochemical variation, residue mobility, and thermodynamic stability) has been performed for this missense variant. However, the output from this modeling did not meet the statistical confidence thresholds required to predict the impact of this variant on GUCY2D protein function. Experimental studies have shown that this missense change affects GUCY2D function (PMID: 25477517). For these reasons, this variant has been classified as Pathogenic.

Women's Health and Genetics/Laboratory Corporation of America, LabCorp
Classification: Likely pathogenic for Leber congenital amaurosis. Last evaluated: 2023-10-10. Review status: criteria provided, single submitter. Criteria: LabCorp Variant Classification Summary - May 2015. Collection method: clinical testing. Allele origin: germline. Not counted in ClinVar's aggregate classification.
Comment: Variant summary: GUCY2D c.1052A>G (p.Tyr351Cys) results in a non-conservative amino acid change located in the Receptor, ligand binding region (IPR001828) of the encoded protein sequence. Five of five in-silico tools predict a damaging effect of the variant on protein function. The variant allele was found at a frequency of 8.3e-06 in 240812 control chromosomes (gnomAD). c.1052A>G has been reported in the literature in individuals affected with Leber Congenital Amaurosis (examples: Hanein_2004, Preising_2007, Sallum_2020). These data indicate that the variant may be associated with disease. At least one publication reports experimental evidence that this variant reduced the guanylate cyclase 1 (GC1)-retinal degeneration 3 (RD3) complex binding efficiency (Zullinger_2015). The following publications have been ascertained in the context of this evaluation (PMID: 15024725, 32865313, 25477517, 17525851 ). One submitter has cited clinical-significance assessments for this variant to ClinVar after 2014 and has classified the variant as pathogenic. Based on the evidence outlined above, the variant was classified as likely pathogenic.

Blueprint Genetics
Classification: Likely pathogenic for GUCY2D-related disorders. Last evaluated: 2021-08-18. Review status: criteria provided, single submitter. Criteria: ACMG Guidelines, 2015. Collection method: clinical testing. Allele origin: germline. Affected: yes. Observed: 1 variant allele. Not counted in ClinVar's aggregate classification.

Laboratory of Genetics in Ophthalmology, Institut Imagine
Classification: Likely pathogenic for Leber congenital amaurosis 1. Review status: no assertion criteria provided. Collection method: research. Allele origin: inherited. Affected: yes. Observed: 1 variant allele. Not counted in ClinVar's aggregate classification.

Retina International
No classification provided. Review status: no classification provided. Collection method: not provided. Allele origin: not provided. Not counted in ClinVar's aggregate classification.

Literature cited by the submitters: PubMed 25477517 (cited by 3 submitters); PubMed 15024725 (cited by 3 submitters); PubMed 17525851 (cited by Labcorp Genetics (formerly Invitae), Labcorp and Women's Health and Genetics/Laboratory Corporation of America, LabCorp); PubMed 32865313 (cited by Labcorp Genetics (formerly Invitae), Labcorp and Women's Health and Genetics/Laboratory Corporation of America, LabCorp).